The following is an entry in ClinVar:

ClinVar aggregate classification (germline): Likely pathogenic (1 of 4 stars; one submission).

Submissions (2):

Labcorp Genetics (formerly Invitae), Labcorp
Classification: Likely pathogenic. Last evaluated: 2022-02-04. Review status: criteria provided, single submitter. Criteria: Invitae Variant Classification Sherloc (09022015). Collection method: clinical testing. Allele origin: germline.
Comment: In summary, the currently available evidence indicates that the variant is pathogenic, but additional data are needed to prove that conclusively. Therefore, this variant has been classified as Likely Pathogenic. Algorithms developed to predict the effect of sequence changes on RNA splicing suggest that this variant may disrupt the consensus splice site. ClinVar contains an entry for this variant (Variation ID: 1067945). This variant has not been reported in the literature in individuals affected with ERCC8-related conditions. This variant is not present in population databases (gnomAD no frequency). This sequence change affects an acceptor splice site in intron 2 of the ERCC8 gene. It is expected to disrupt RNA splicing. Variants that disrupt the donor or acceptor splice site typically lead to a loss of protein function (PMID: 16199547), and loss-of-function variants in ERCC8 are known to be pathogenic (PMID: 29572252).

Dr. Peter K. Rogan Lab, Western University
No classification provided (evidence only). Condition: Ovarian serous cystadenocarcinoma. Review status: no classification provided. Collection method: in vitro. Allele origin: not applicable. Functional consequence: retained intron. Not counted in ClinVar's aggregate classification.

Literature cited by the submitters: PubMed 16199547 (cited by Labcorp Genetics (formerly Invitae), Labcorp); PubMed 29572252 (cited by Labcorp Genetics (formerly Invitae), Labcorp).

NM_000082.4(ERCC8):c.174-1G>A

Gene: ERCC8 (ERCC excision repair 8, CSA ubiquitin ligase complex subunit; minus strand). Cytogenetic location: 5q12.1.
Variant type: single nucleotide variant.
Coding change: c.174-1G>A on transcript NM_000082.4 (MANE Select); the canonical splice acceptor site of the intron before coding-DNA position 174, G replaced by A.
Molecular consequence: splice acceptor variant.
Genome position (GRCh38, 1-based): chr5:60,922,156, C>T on the plus strand (G>A on the coding strand, the complement: ERCC8 is on the minus strand). VCF-style: chr5-60922156-C-T. GRCh37 (hg19) VCF-style: chr5-60217983-C-T.
Other names: c.-204-1G>A (NM_001290285.2); c.-1-1G>A (NM_001007233.3); c.174-1G>A (NM_001007234.3).
Identifiers: ClinVar variation 1067945 (VCV001067945.8), dbSNP rs551105507, ClinGen allele CA359828326.